The following is an entry in ClinVar:

ClinVar aggregate classification (germline): Uncertain significance (1 of 4 stars; one submission).

Allele frequency attached by ClinVar (database versions not stated): ExAC 0.00002; gnomAD exomes 0.00002; TOPMed 0.00003; gnomAD 0.00004 and 0.00005; 1000 Genomes Project 30x 0.00016; 1000 Genomes Project 0.00020.
gnomAD v4.1: 63 of 1,614,146 alleles (0.0039%); highest among the groups gnomAD compares: Non-Finnish European, 0.0051%; no homozygotes.

Submission:

Labcorp Genetics (formerly Invitae), Labcorp
Classification: Uncertain significance. Last evaluated: 2024-10-16. Review status: criteria provided, single submitter. Criteria: Invitae Variant Classification Sherloc (09022015). Collection method: clinical testing. Allele origin: germline.
Comment: This sequence change replaces isoleucine, which is neutral and non-polar, with valine, which is neutral and non-polar, at codon 221 of the IL12RB2 protein (p.Ile221Val). This variant is present in population databases (rs201722402, gnomAD 0.004%). This variant has not been reported in the literature in individuals affected with IL12RB2-related conditions. ClinVar contains an entry for this variant (Variation ID: 1525473). An algorithm developed to predict the effect of missense changes on protein structure and function outputs the following: PolyPhen-2: "Benign". The valine amino acid residue is found in multiple mammalian species, which suggests that this missense change does not adversely affect protein function. Algorithms developed to predict the effect of sequence changes on RNA splicing suggest that this variant may disrupt the consensus splice site. In summary, the available evidence is currently insufficient to determine the role of this variant in disease. Therefore, it has been classified as a Variant of Uncertain Significance.

NM_001374259.2(IL12RB2):c.661A>G (p.Ile221Val)

Gene: IL12RB2 (interleukin 12 receptor subunit beta 2; plus strand). Cytogenetic location: 1p31.3.
Variant type: single nucleotide variant.
Coding change: c.661A>G on transcript NM_001374259.2 (MANE Select); coding-DNA position 661, A replaced by G.
Protein change: p.Ile221Val; replaces isoleucine 221 with valine.
Molecular consequence: missense variant. On other transcripts: non-coding transcript variant (2).
Genome position (GRCh38, 1-based): chr1:67,328,381, A>G. VCF-style: chr1-67328381-A-G. GRCh37 (hg19) VCF-style: chr1-67794064-A-G.
Other names: c.661A>G, p.Ile221Val (NM_001258214.1, NM_001258215.1, NM_001258216.1 and 2 more transcripts); short protein forms I221V.
Identifiers: ClinVar variation 1525473 (VCV001525473.6), dbSNP rs201722402, ClinGen allele CA900249.
Genomic context (GRCh38, chr1:67,328,381, plus strand): 5'-ACTGCTGTCAATAGTCTTGGAAGCTCCTCTTCACTTCCATCCACATTCACATTCTTGGAC[A>G]TAGGTACATTTTATTTCACTGTTTCATTGGTACTTTATAATTATTTTTAAAATCACTCAA-3'
Protein context (NP_001361188.1, residues 211-231): SLPSTFTFLD[Ile221Val]VRPLPPWDIR